The following is an entry in ClinVar:

NM_000557.5(GDF5):c.1424G>A (p.Ser475Asn)

Genes: GDF5 (growth differentiation factor 5; minus strand), GDF5-AS1 (GDF5 antisense RNA 1; plus strand). Cytogenetic location: 20q11.22.
Variant type: single nucleotide variant.
Coding change: c.1424G>A on transcript NM_000557.5 (MANE Select); coding-DNA position 1424, G replaced by A.
Protein change: p.Ser475Asn; replaces serine 475 with asparagine.
Molecular consequence: missense variant. On other transcripts: non-coding transcript variant (1).
Genome position (GRCh38, 1-based): chr20:35,433,991, C>T on the plus strand (G>A on the coding strand, the complement: GDF5 is on the minus strand). VCF-style: chr20-35433991-C-T. GRCh37 (hg19) VCF-style: chr20-34021789-C-T.
Other names: c.1424G>A, p.Ser475Asn (NM_001319138.2); c.1424G>A (NM_000557.2); short protein forms S475N.
Identifiers: ClinVar variation 8388 (VCV000008388.2), dbSNP rs121909347, ClinGen allele CA119571.

ClinVar aggregate classification (germline): Pathogenic. Review status: criteria provided, single submitter (1 of 4 stars). 2 submissions from 2 submitters: Pathogenic (1). 1 of the submissions does not count toward it. Last evaluated 2025-05-29.

Conditions:
Multiple synostoses syndrome 2 (SYNS2). Identifiers: Orphanet 3237, MedGen C1832708, MONDO:0012394, OMIM 610017.

Submissions (2):

GeneDx
Classification: Pathogenic. Last evaluated: 2025-05-29. Review status: criteria provided, single submitter. Criteria: GeneDx Variant Classification Process June 2021. Collection method: clinical testing. Allele origin: germline. Affected: yes.
Comment: Published functional studies demonstrate a damaging effect (PMID: 21976273); Not observed at significant frequency in large population cohorts (gnomAD); In silico analysis supports that this missense variant has a deleterious effect on protein structure/function; This variant is associated with the following publications: (PMID: 24098149, 27030100, 33333243, 29130651, 16532400, 21976273, 38222807, 36964972, 39430143)

OMIM
Classification: Pathogenic for MULTIPLE SYNOSTOSES SYNDROME 2. Last evaluated: 2014-11-20. Review status: no assertion criteria provided. Collection method: literature only. Allele origin: germline. Not counted in ClinVar's aggregate classification.

Literature cited by the submitters: Akarsu, A. N., Rezaie, T., Demirtas, M., Farhud, D. D., Sarfarazi, M. Multiple synostosis type 2 (SYNS2) maps to 20q11.2 and caused by a missense mutation in the growth/differentiation factor 5 (GDF5). (Abstract) Am. J. Hum. Genet. 65 (suppl.): A281-only, 1999. (cited by OMIM).